The following is an entry in ClinVar:

ClinVar aggregate classification (germline): Likely benign (0 of 4 stars; one submission).

Conditions:
SEMA3F-related disorder. Also called: SEMA3F-related condition.

gnomAD v4.1: 5 of 1,613,920 alleles (0.00031%); highest among the groups gnomAD compares: Non-Finnish European, 0.00042%; no homozygotes.

Submission:

PreventionGenetics, part of Exact Sciences
Classification: Likely benign for SEMA3F-related condition. Last evaluated: 2022-04-25. Review status: no assertion criteria provided. Collection method: clinical testing. Allele origin: germline.
Comment: This variant is classified as likely benign based on ACMG/AMP sequence variant interpretation guidelines (Richards et al. 2015 PMID: 25741868, with internal and published modifications).

NM_004186.5(SEMA3F):c.978C>T (p.Val326=)

Gene: SEMA3F (semaphorin 3F; plus strand). Cytogenetic location: 3p21.31.
Variant type: single nucleotide variant.
Coding change: c.978C>T on transcript NM_004186.5 (MANE Select); coding-DNA position 978, C replaced by T.
Protein change: p.Val326=; no amino-acid change (valine 326 retained).
Molecular consequence: synonymous variant.
Genome position (GRCh38, 1-based): chr3:50,182,978, C>T. VCF-style: chr3-50182978-C-T. GRCh37 (hg19) VCF-style: chr3-50220411-C-T.
Other names: c.681C>T, p.Val227= (NM_001318798.2); c.885C>T, p.Val295= (NM_001318800.2).
Identifiers: ClinVar variation 3352557 (VCV003352557.1).